The following is an entry in ClinVar:

ClinVar aggregate classification (germline): Uncertain significance (1 of 4 stars; one submission).

Conditions:
CFTR-related disorder (CFTR-RD). Also called: CFTR-related disorders; CFTR-related condition. Identifiers: MedGen C5924204, MONDO:7770004.

gnomAD v4.1: 2 of 1,524,148 alleles (0.00013%); highest among the groups gnomAD compares: South Asian, 0.0027%; no homozygotes.

Submission:

PreventionGenetics, part of Exact Sciences
Classification: Uncertain significance for CFTR-related condition. Last evaluated: 2026-05-12. Review status: criteria provided, single submitter. Criteria: ACMG Guidelines, 2015. Collection method: clinical testing. Allele origin: germline.
Comment: The CFTR c.2408C>T variant is predicted to result in the amino acid substitution p.Thr803Ile. To our knowledge, this variant has not been reported in the literature or in a large population database (gnomAD), indicating this variant is rare. At this time, the clinical significance of this variant is uncertain due to the absence of conclusive functional and genetic evidence.

NM_000492.4(CFTR):c.2408C>T (p.Thr803Ile)

Gene: CFTR (CF transmembrane conductance regulator; plus strand). Cytogenetic location: 7q31.2.
Variant type: single nucleotide variant.
Coding change: c.2408C>T on transcript NM_000492.4 (MANE Select); coding-DNA position 2408, C replaced by T.
Protein change: p.Thr803Ile; replaces threonine 803 with isoleucine.
Molecular consequence: missense variant.
Genome position (GRCh38, 1-based): chr7:117,592,575, C>T. VCF-style: chr7-117592575-C-T. GRCh37 (hg19) VCF-style: chr7-117232629-C-T.
Other names: short protein forms T803I.
Identifiers: ClinVar variation 4996288 (VCV004996288.1).